The following is an entry in ClinVar:

NM_001035.3(RYR2):c.7373C>G (p.Ala2458Gly)

Gene: RYR2 (ryanodine receptor 2; plus strand). Cytogenetic location: 1q43.
Variant type: single nucleotide variant.
Coding change: c.7373C>G on transcript NM_001035.3 (MANE Select); coding-DNA position 7373, C replaced by G.
Protein change: p.Ala2458Gly; replaces alanine 2458 with glycine.
Molecular consequence: missense variant.
Genome position (GRCh38, 1-based): chr1:237,648,474, C>G. VCF-style: chr1-237648474-C-G. GRCh37 (hg19) VCF-style: chr1-237811774-C-G.
Other names: short protein forms A2458G.
Identifiers: ClinVar variation 3232409 (VCV003232409.1), dbSNP rs768478443, ClinGen allele CA345398077.

ClinVar aggregate classification (germline): Uncertain significance (1 of 4 stars; one submission).

Conditions:
Cardiovascular phenotype. Identifiers: MedGen CN230736.

Submission:

Ambry Genetics
Classification: Uncertain significance for Cardiovascular phenotype. Last evaluated: 2024-01-19. Review status: criteria provided, single submitter. Criteria: Ambry Variant Classification Scheme 2023. Collection method: clinical testing. Allele origin: germline.
Comment: The p.A2458G variant (also known as c.7373C>G), located in coding exon 49 of the RYR2 gene, results from a C to G substitution at nucleotide position 7373. The alanine at codon 2458 is replaced by glycine, an amino acid with similar properties. This amino acid position is highly conserved in available vertebrate species. In addition, this alteration is predicted to be deleterious by in silico analysis. Since supporting evidence is limited at this time, the clinical significance of this alteration remains unclear.